The following is an entry in ClinVar:

ClinVar aggregate classification (germline): Uncertain significance (1 of 4 stars; one submission).

Conditions:
Spastic paraplegia. Identifiers: MedGen C0037772, HP:0001258.

Submission:

Labcorp Genetics (formerly Invitae), Labcorp
Classification: Uncertain significance for Spastic paraplegia. Last evaluated: 2022-03-19. Review status: criteria provided, single submitter. Criteria: Invitae Variant Classification Sherloc (09022015). Collection method: clinical testing. Allele origin: germline.
Comment: This variant has not been reported in the literature in individuals affected with ZFYVE26-related conditions. Algorithms developed to predict the effect of missense changes on protein structure and function output the following: SIFT: "Tolerated"; PolyPhen-2: "Benign"; Align-GVGD: "Class C0". The alanine amino acid residue is found in multiple mammalian species, which suggests that this missense change does not adversely affect protein function. In summary, the available evidence is currently insufficient to determine the role of this variant in disease. Therefore, it has been classified as a Variant of Uncertain Significance. This variant is not present in population databases (gnomAD no frequency). This sequence change replaces threonine, which is neutral and polar, with alanine, which is neutral and non-polar, at codon 1246 of the ZFYVE26 protein (p.Thr1246Ala).

NM_015346.4(ZFYVE26):c.3736A>G (p.Thr1246Ala)

Gene: ZFYVE26 (zinc finger FYVE-type containing 26; minus strand). Cytogenetic location: 14q24.1.
Variant type: single nucleotide variant.
Coding change: c.3736A>G on transcript NM_015346.4 (MANE Select); coding-DNA position 3736, A replaced by G.
Protein change: p.Thr1246Ala; replaces threonine 1246 with alanine.
Molecular consequence: missense variant.
Genome position (GRCh38, 1-based): chr14:67,783,416, T>C on the plus strand (A>G on the coding strand, the complement: ZFYVE26 is on the minus strand). VCF-style: chr14-67783416-T-C. GRCh37 (hg19) VCF-style: chr14-68250133-T-C.
Other names: short protein forms T1246A.
Identifiers: ClinVar variation 2114590 (VCV002114590.4), dbSNP rs2502807640, ClinGen allele CA390171580.